The following is an entry in ClinVar:

ClinVar aggregate classification (germline): Uncertain significance (1 of 4 stars; one submission).

Conditions:
Melanoma, cutaneous malignant, susceptibility to, 5. Also called: Cutaneous malignant melanoma 5. Identifiers: Orphanet 618, MedGen C2751295, MONDO:0013133, OMIM 613099.

Submission:

Labcorp Genetics (formerly Invitae), Labcorp
Classification: Uncertain significance for Melanoma, cutaneous malignant, susceptibility to, 5. Last evaluated: 2024-10-12. Review status: criteria provided, single submitter. Criteria: Invitae Variant Classification Sherloc (09022015). Collection method: clinical testing. Allele origin: germline.
Comment: This variant, c.273_274delinsGA, is a complex sequence change that results in the deletion of 2 and insertion of 2 amino acid(s) in the MC1R protein (p.Asn91_Val92delinsLysMet). Information on the frequency of this variant in the gnomAD database is not available, as this variant may be reported differently in the database. This variant has not been reported in the literature in individuals affected with MC1R-related conditions. Experimental studies and prediction algorithms are not available or were not evaluated, and the functional significance of this variant is currently unknown. In summary, the available evidence is currently insufficient to determine the role of this variant in disease. Therefore, it has been classified as a Variant of Uncertain Significance.

NM_002386.4(MC1R):c.273_274delinsGA (p.Asn91_Val92delinsLysMet)

Gene: MC1R (melanocortin 1 receptor; plus strand). Cytogenetic location: 16q24.3.
Variant type: Indel.
Coding change: c.273_274delinsGA on transcript NM_002386.4 (MANE Select); coding-DNA positions 273 to 274, CG replaced by GA.
Protein change: p.Asn91_Val92delinsLysMet.
Molecular consequence: missense variant.
Genome position (GRCh38, 1-based): chr16:89,919,531-89,919,532, CG replaced by GA. VCF-style: chr16-89919531-CG-GA. GRCh37 (hg19) VCF-style: chr16-89985939-CG-GA.
Identifiers: ClinVar variation 2885333 (VCV002885333.3), dbSNP rs2544609111, ClinGen allele CA2739267010.
Genomic context (GRCh38, chr16:89,919,531, plus strand): 5'-ACCCATGTACTGCTTCATCTGCTGCCTGGCCTTGTCGGACCTGCTGGTGAGCGGGAGCAA[CG>GA]TGCTGGAGACGGCCGTCATCCTCCTGCTGGAGGCCGGTGCACTGGTGGCCCGGGCTGCGG-3'